The following is an entry in ClinVar:

ClinVar aggregate classification (germline): Likely benign. Review status: criteria provided, multiple submitters, no conflicts (2 of 4 stars). 2 submissions from 2 submitters: Likely benign (2). Last evaluated 2026-02-03.

Conditions:
KLHDC8B-related disorder. Also called: KLHDC8B-related condition.

Allele frequency attached by ClinVar (database versions not stated): 1000 Genomes Project 30x 0.00016; ExAC 0.00065; TOPMed 0.00100; gnomAD 0.00105; ESP Exome Variant Server 0.00123; gnomAD exomes 0.00173.

Submissions (2):

Labcorp Genetics (formerly Invitae), Labcorp
Classification: Likely benign. Last evaluated: 2026-02-03. Review status: criteria provided, single submitter. Criteria: Invitae Variant Classification Sherloc (09022015). Collection method: clinical testing. Allele origin: germline.

PreventionGenetics, part of Exact Sciences
Classification: Likely benign for KLHDC8B-related condition. Last evaluated: 2025-01-13. Review status: criteria provided, single submitter. Criteria: ACMG Guidelines, 2015. Collection method: clinical testing. Allele origin: germline.
Comment: This variant is classified as likely benign based on ACMG/AMP sequence variant interpretation guidelines (Richards et al. 2015 PMID: 25741868, with internal and published modifications).

NM_173546.3(KLHDC8B):c.717C>T (p.Tyr239=)

Gene: KLHDC8B (kelch domain containing 8B; plus strand). Cytogenetic location: 3p21.31.
Variant type: single nucleotide variant.
Coding change: c.717C>T on transcript NM_173546.3 (MANE Select); coding-DNA position 717, C replaced by T.
Protein change: p.Tyr239=; no amino-acid change (tyrosine 239 retained).
Molecular consequence: synonymous variant.
Genome position (GRCh38, 1-based): chr3:49,174,917, C>T. VCF-style: chr3-49174917-C-T. GRCh37 (hg19) VCF-style: chr3-49212350-C-T.
Other names: c.717C>T (NM_173546.2).
Identifiers: ClinVar variation 2047089 (VCV002047089.5), dbSNP rs146679886, ClinGen allele CA2395557.